The following is an entry in ClinVar:

NM_024408.4(NOTCH2):c.2015C>G (p.Pro672Arg)

Gene: NOTCH2 (notch receptor 2; minus strand). Cytogenetic location: 1p12.
Variant type: single nucleotide variant.
Coding change: c.2015C>G on transcript NM_024408.4 (MANE Select); coding-DNA position 2015, C replaced by G.
Protein change: p.Pro672Arg; replaces proline 672 with arginine.
Molecular consequence: missense variant.
Genome position (GRCh38, 1-based): chr1:119,959,403, G>C on the plus strand (C>G on the coding strand, the complement: NOTCH2 is on the minus strand). VCF-style: chr1-119959403-G-C. GRCh37 (hg19) VCF-style: chr1-120502026-G-C.
Other names: c.2015C>G, p.Pro672Arg (NM_001200001.2); short protein forms P672R.
Identifiers: ClinVar variation 3765771 (VCV003765771.1).

ClinVar aggregate classification (germline): Uncertain significance (1 of 4 stars; one submission).

gnomAD v4.1: 1 of 1,596,256 alleles (0.000063%); highest among the groups gnomAD compares: Non-Finnish European, 0.000086%; no homozygotes.

Submission:

Greenwood Genetic Center Diagnostic Laboratories, Greenwood Genetic Center
Classification: Uncertain significance. Last evaluated: 2024-11-18. Review status: criteria provided, single submitter. Criteria: ACMG Guidelines, 2015. Collection method: clinical testing. Allele origin: germline. Affected: yes.
Comment: PM2